The following is an entry in ClinVar:

ClinVar aggregate classification (germline): Uncertain significance (1 of 4 stars; one submission).

Conditions:
Hereditary pulmonary alveolar proteinosis. Also called: Pulmonary surfactant metabolism dysfunction. Identifiers: Orphanet 264675, MedGen C3711368, MONDO:0012580.

gnomAD v4.1: 18 of 1,613,422 alleles (0.0011%); highest among the groups gnomAD compares: Admixed American, 0.0033%; no homozygotes.

Submission:

Ambry Genetics
Classification: Uncertain significance for Hereditary pulmonary alveolar proteinosis. Last evaluated: 2021-11-24. Review status: criteria provided, single submitter. Criteria: Ambry Variant Classification Scheme 2023. Collection method: clinical testing. Allele origin: germline.
Comment: The p.G974R variant (also known as c.2920G>A), located in coding exon 18 of the ABCA3 gene, results from a G to A substitution at nucleotide position 2920. The glycine at codon 974 is replaced by arginine, an amino acid with dissimilar properties. This amino acid position is conserved. In addition, this alteration is predicted to be tolerated by in silico analysis. Since supporting evidence is limited at this time, the clinical significance of this alteration remains unclear.

NM_001089.3(ABCA3):c.2920G>A (p.Gly974Arg)

Gene: ABCA3 (ATP binding cassette subfamily A member 3; minus strand). Cytogenetic location: 16p13.3.
Variant type: single nucleotide variant.
Coding change: c.2920G>A on transcript NM_001089.3 (MANE Select); coding-DNA position 2920, G replaced by A.
Protein change: p.Gly974Arg; replaces glycine 974 with arginine.
Molecular consequence: missense variant.
Genome position (GRCh38, 1-based): chr16:2,288,110, C>T on the plus strand (G>A on the coding strand, the complement: ABCA3 is on the minus strand). VCF-style: chr16-2288110-C-T. GRCh37 (hg19) VCF-style: chr16-2338111-C-T.
Other names: short protein forms G974R.
Identifiers: ClinVar variation 1797711 (VCV001797711.2), dbSNP rs773990907, ClinGen allele CA7840669.
Genomic context (GRCh38, chr16:2,288,110, plus strand): 5'-CCTCAGCCTGCAGTGCGTCTTTCAGATGCTCTGACAGCTGCTGACCCAGCTGGGAGGTCC[C>T]GGGAACTGAGAAGGGCACGACGGTTCTGCCGTACTCGCCCAAGGTCAGCCTCAGCATGGG-3'
Protein context (NP_001080.2, residues 964-984): GRTVVPFSVP[Gly974Arg]TSQLGQQLSE